The following is an entry in ClinVar:

ClinVar aggregate classification (germline): Pathogenic. Review status: criteria provided, single submitter (1 of 4 stars). 2 submissions from 1 submitter: Pathogenic (2). Last evaluated 2019-01-08.

Conditions:
Pulmonary hypertension, primary, 1 (PPH1). Also called: Pulmonary hypertension, familial primary, 1, with or without HHT. Identifiers: Orphanet 422, MedGen C4552070, MONDO:0024533, OMIM 178600.
Primary pulmonary hypertension. Also called: Idiopathic pulmonary hypertension. Identifiers: MedGen C0152171.

Submissions (2):

Labcorp Genetics (formerly Invitae), Labcorp
Classification: Pathogenic for Idiopathic Pulmonary Hypertension. Last evaluated: 2019-01-08. Review status: criteria provided, single submitter. Criteria: Invitae Variant Classification Sherloc (09022015). Collection method: clinical testing. Allele origin: germline.
Comment: This variant is an out-of-frame deletion of the genomic region encompassing exons 8-10 of the BMPR2 gene. This is expected to create a premature translational stop signal and result in an absent or disrupted protein product. This variant has not been reported in the literature in individuals with BMPR2-related conditions. Loss-of-function variants in BMPR2 are known to be pathogenic (PMID: 16429395). For these reasons, this variant has been classified as Pathogenic.

Labcorp Genetics (formerly Invitae), Labcorp
Classification: Pathogenic for Primary pulmonary hypertension. Last evaluated: 2019-01-02. Review status: criteria provided, single submitter. Criteria: Invitae Variant Classification Sherloc (09022015). Collection method: clinical testing. Allele origin: germline.
Comment: This variant is an out-of-frame deletion of the genomic region encompassing exons 8-10 of the BMPR2 gene. This is expected to create a premature translational stop signal and result in an absent or disrupted protein product. For these reasons, this variant has been classified as Pathogenic. Loss-of-function variants in BMPR2 are known to be pathogenic (PMID: 16429395). This variant has not been reported in the literature in individuals with BMPR2-related conditions.

Literature cited by the submitters: PubMed 16429395.

NC_000002.12:g.(?_202530784)_(202542457_?)del

Gene: BMPR2 (bone morphogenetic protein receptor type 2; plus strand). Cytogenetic location: 2q33.2.
Variant type: Deletion.
Identifiers: ClinVar variation 832606 (VCV000832606.4).